The following is an entry in ClinVar:

ClinVar aggregate classification (germline): Uncertain significance (1 of 4 stars; one submission).

gnomAD v4.1: 10 of 1,612,908 alleles (0.00062%); highest among the groups gnomAD compares: Non-Finnish European, 0.00085%; no homozygotes.

Submission:

Labcorp Genetics (formerly Invitae), Labcorp
Classification: Uncertain significance. Last evaluated: 2024-02-02. Review status: criteria provided, single submitter. Criteria: Invitae Variant Classification Sherloc (09022015). Collection method: clinical testing. Allele origin: germline.
Comment: This sequence change replaces arginine, which is basic and polar, with histidine, which is basic and polar, at codon 565 of the ARHGEF1 protein (p.Arg565His). This variant is not present in population databases (gnomAD no frequency). This variant has not been reported in the literature in individuals affected with ARHGEF1-related conditions. An algorithm developed to predict the effect of missense changes on protein structure and function (PolyPhen-2) suggests that this variant is likely to be disruptive. In summary, the available evidence is currently insufficient to determine the role of this variant in disease. Therefore, it has been classified as a Variant of Uncertain Significance.

NM_004706.4(ARHGEF1):c.1649G>A (p.Arg550His)

Gene: ARHGEF1 (Rho guanine nucleotide exchange factor 1; plus strand). Cytogenetic location: 19q13.2.
Variant type: single nucleotide variant.
Coding change: c.1649G>A on transcript NM_004706.4 (MANE Select); coding-DNA position 1649, G replaced by A.
Protein change: p.Arg550His; replaces arginine 550 with histidine.
Molecular consequence: missense variant. On other transcripts: non-coding transcript variant (2).
Genome position (GRCh38, 1-based): chr19:41,902,809, G>A. VCF-style: chr19-41902809-G-A. GRCh37 (hg19) VCF-style: chr19-42406959-G-A.
Other names: c.1817G>A, p.Arg606His (NM_001396000.1); c.1550G>A, p.Arg517His (NM_001396002.1, NM_001396004.1, NM_198977.2); c.1649G>A, p.Arg550His (NM_001396003.1, NM_001396006.1); c.1694G>A, p.Arg565His (NM_199002.2); short protein forms R517H, R550H, R565H, R606H.
Identifiers: ClinVar variation 3675211 (VCV003675211.2).